The following is an entry in ClinVar:

NM_020928.2(ZSWIM6):c.3185A>G (p.Asn1062Ser)

Gene: ZSWIM6 (zinc finger SWIM-type containing 6; plus strand). Cytogenetic location: 5q12.1.
Variant type: single nucleotide variant.
Coding change: c.3185A>G on transcript NM_020928.2 (MANE Select); coding-DNA position 3185, A replaced by G.
Protein change: p.Asn1062Ser; replaces asparagine 1062 with serine.
Molecular consequence: missense variant.
Genome position (GRCh38, 1-based): chr5:61,543,854, A>G. VCF-style: chr5-61543854-A-G. GRCh37 (hg19) VCF-style: chr5-60839681-A-G.
Other names: short protein forms N1062S.
Identifiers: ClinVar variation 1495970 (VCV001495970.6), dbSNP rs898782799, ClinGen allele CA119664263.

ClinVar aggregate classification (germline): Uncertain significance (1 of 4 stars; one submission).

Allele frequency attached by ClinVar (database versions not stated): gnomAD exomes below 0.00001 and 0.00001; TOPMed below 0.00001; gnomAD 0.00001.
gnomAD v4.1: 9 of 1,551,754 alleles (0.00058%); highest among the groups gnomAD compares: Admixed American, 0.002%; no homozygotes.

Submission:

Labcorp Genetics (formerly Invitae), Labcorp
Classification: Uncertain significance. Last evaluated: 2021-11-01. Review status: criteria provided, single submitter. Criteria: Invitae Variant Classification Sherloc (09022015). Collection method: clinical testing. Allele origin: germline.
Comment: In summary, the available evidence is currently insufficient to determine the role of this variant in disease. Therefore, it has been classified as a Variant of Uncertain Significance. Algorithms developed to predict the effect of missense changes on protein structure and function are either unavailable or do not agree on the potential impact of this missense change (SIFT: "Tolerated"; PolyPhen-2: "Possibly Damaging"; Align-GVGD: "Class C0"). This variant has not been reported in the literature in individuals affected with ZSWIM6-related conditions. This variant is present in population databases (no rsID available, gnomAD 0.004%). This sequence change replaces asparagine, which is neutral and polar, with serine, which is neutral and polar, at codon 1062 of the ZSWIM6 protein (p.Asn1062Ser).